The following is an entry in ClinVar:

NM_005029.4(PITX3):c.850G>C (p.Gly284Arg)

Genes: PITX3 (paired like homeodomain 3; minus strand), LOC130004590 (ATAC-STARR-seq lymphoblastoid silent region 2752; plus strand). Cytogenetic location: 10q24.32.
Variant type: single nucleotide variant.
Coding change: c.850G>C on transcript NM_005029.4 (MANE Select); coding-DNA position 850, G replaced by C.
Protein change: p.Gly284Arg; replaces glycine 284 with arginine.
Molecular consequence: missense variant.
Genome position (GRCh38, 1-based): chr10:102,230,573, C>G on the plus strand (G>C on the coding strand, the complement: PITX3 is on the minus strand). VCF-style: chr10-102230573-C-G. GRCh37 (hg19) VCF-style: chr10-103990330-C-G.
Other names: short protein forms G284R.
Identifiers: ClinVar variation 4999776 (VCV004999776.1).

ClinVar aggregate classification (germline): Uncertain significance (1 of 4 stars; one submission).

Conditions:
PITX3-related disorder. Also called: PITX3-related condition.

gnomAD v4.1: 11 of 1,611,388 alleles (0.00068%); highest among the groups gnomAD compares: South Asian, 0.0022%; no homozygotes.

Submission:

PreventionGenetics, part of Exact Sciences
Classification: Uncertain significance for PITX3-related condition. Last evaluated: 2024-12-22. Review status: criteria provided, single submitter. Criteria: ACMG Guidelines, 2015. Collection method: clinical testing. Allele origin: germline.
Comment: The PITX3 c.850G>C variant is predicted to result in the amino acid substitution p.Gly284Arg. To our knowledge, this variant has not been reported in the literature. This variant is reported in 0.015% of alleles in individuals of European (Finnish) descent in gnomAD. At this time, the clinical significance of this variant is uncertain due to the absence of conclusive functional and genetic evidence.